The following is an entry in ClinVar:

ClinVar aggregate classification (germline): Benign/Likely benign. Review status: criteria provided, multiple submitters, no conflicts (2 of 4 stars). 4 submissions from 4 submitters: Benign (2); Likely benign (1). 1 of the submissions does not count toward it. Last evaluated 2026-01-19.

Conditions:
ESR2-related disorder. Also called: ESR2-related condition.

Allele frequency attached by ClinVar (database versions not stated): 1000 Genomes Project 30x 0.00406; TOPMed 0.00475; ESP Exome Variant Server 0.00484; 1000 Genomes Project 0.00499; gnomAD 0.00768 and 0.00798; ExAC 0.00855; gnomAD exomes 0.00912.
gnomAD v4.1: 13,077 of 1,614,212 alleles (0.81%); highest among the groups gnomAD compares: Non-Finnish European, 0.8%; 102 homozygotes.

Submissions (4):

Labcorp Genetics (formerly Invitae), Labcorp
Classification: Benign. Last evaluated: 2026-01-19. Review status: criteria provided, single submitter. Criteria: Invitae Variant Classification Sherloc (09022015). Collection method: clinical testing. Allele origin: germline.

CeGaT Center for Human Genetics Tuebingen
Classification: Likely benign. Last evaluated: 2025-12-01. Review status: criteria provided, single submitter. Criteria: CeGaT Center For Human Genetics Tuebingen Variant Classification Criteria Version 2. Collection method: clinical testing. Allele origin: germline. Affected: yes. Observed: 5 variant alleles.
Comment: ESR2: BP4, BP7, BS2

Breakthrough Genomics
Classification: Benign. Review status: criteria provided, single submitter. Criteria: ACMG Guidelines, 2015. Collection method: not provided. Allele origin: germline. Inheritance: Autosomal dominant inheritance. Affected: yes.

PreventionGenetics, part of Exact Sciences
Classification: Likely benign for ESR2-related condition. Last evaluated: 2019-03-08. Review status: no assertion criteria provided. Collection method: clinical testing. Allele origin: germline. Not counted in ClinVar's aggregate classification.
Comment: This variant is classified as likely benign based on ACMG/AMP sequence variant interpretation guidelines (Richards et al. 2015 PMID: 25741868, with internal and published modifications).

NM_001437.3(ESR2):c.1323T>C (p.Ile441=)

Gene: ESR2 (estrogen receptor 2; minus strand). Cytogenetic location: 14q23.2.
Variant type: single nucleotide variant.
Coding change: c.1323T>C on transcript NM_001437.3 (MANE Select); coding-DNA position 1323, T replaced by C.
Protein change: p.Ile441=; no amino-acid change (isoleucine 441 retained).
Molecular consequence: synonymous variant. On other transcripts: non-coding transcript variant (2).
Genome position (GRCh38, 1-based): chr14:64,235,053, A>G on the plus strand (T>C on the coding strand, the complement: ESR2 is on the minus strand). VCF-style: chr14-64235053-A-G. GRCh37 (hg19) VCF-style: chr14-64701771-A-G.
Other names: c.1323T>C, p.Ile441= (NM_001040275.1, NM_001214902.1, NM_001271876.1 and 2 more transcripts); c.1050T>C, p.Ile350= (NM_001271877.1).
Identifiers: ClinVar variation 778482 (VCV000778482.35), dbSNP rs60101369, ClinGen allele CA7225234.